The following is an entry in ClinVar:

NM_006662.3(SRCAP):c.*342C>T

Gene: SRCAP (Snf2 related CREBBP activator protein; plus strand). Cytogenetic location: 16p11.2.
Variant type: single nucleotide variant.
Coding change: c.*342C>T on transcript NM_006662.3 (MANE Select); 342 bases downstream of the stop codon, C replaced by T.
Molecular consequence: 3 prime UTR variant.
Genome position (GRCh38, 1-based): chr16:30,740,075, C>T. VCF-style: chr16-30740075-C-T. GRCh37 (hg19) VCF-style: chr16-30751396-C-T.
Identifiers: ClinVar variation 2646414 (VCV002646414.24), dbSNP rs1035511782, ClinGen allele CA280526305.

ClinVar aggregate classification (germline): Likely benign (1 of 4 stars; one submission).

Submission:

CeGaT Center for Human Genetics Tuebingen
Classification: Likely benign. Last evaluated: 2022-11-01. Review status: criteria provided, single submitter. Criteria: CeGaT Center For Human Genetics Tuebingen Variant Classification Criteria Version 2. Collection method: clinical testing. Allele origin: germline. Affected: yes. Observed: 1 variant allele.
Comment: SRCAP: BS1